The following is an entry in ClinVar:

ClinVar aggregate classification (germline): Pathogenic (1 of 4 stars; one submission).

Conditions:
Becker muscular dystrophy, Cardiomyopathy, Duchenne muscular dystrophy, Dystrophin deficiency.

Submission:

Natera, Inc.
Classification: Pathogenic for Becker muscular dystrophy, Cardiomyopathy, Duchenne muscular dystrophy, Dystrophin deficiency. Last evaluated: 2025-12-26. Review status: criteria provided, single submitter. Criteria: Natera Variant Classification Schema (03/2026). Collection method: clinical testing. Allele origin: germline.
Comment: The c.6118-2del variant in DMD is a canonical splice acceptor site variant predicted to affect pre-mRNA splicing, which may result in an abnormal transcript and altered protein product. This variant is expected to result in nonsense mediated decay, truncation, or a dysfunctional protein product. This variant is rare in the general population with a frequency below the threshold expected for the associated phenotype(s). Another variant at this same site results in an alteration predicted to cause a similar molecular effect has been observed in individual(s) with the associated phenotype. Given the available evidence, this variant is classified as Pathogenic.

NM_004006.3(DMD):c.6118-2del

Gene: DMD (dystrophin; minus strand). Cytogenetic location: Xp21.1.
Variant type: Deletion.
Coding change: c.6118-2del on transcript NM_004006.3 (MANE Select); the canonical splice acceptor site of the intron before coding-DNA position 6118, one base deleted (A; older notation c.6118-2delA).
Molecular consequence: splice acceptor variant.
Genome position (GRCh38, 1-based): chrX:32,287,703, T deleted on the plus strand (A on the coding strand, the reverse complement: DMD is on the minus strand). VCF-style (leftmost placement, unchanged base first): chrX-32287702-CT-C. GRCh37 (hg19) VCF-style: chrX-32305819-CT-C.
Other names: c.6094-2del (NM_000109.4); c.2095-2del (NM_004011.4); c.2086-2del (NM_004012.4); c.6106-2del (NM_004009.3); c.5749-2del (NM_004010.3).
Identifiers: ClinVar variation 4815317 (VCV004815317.1).